The following is an entry in ClinVar:

NM_176787.5(PIGN):c.2655del (p.Trp885fs)

Gene: PIGN (phosphatidylinositol glycan anchor biosynthesis class N; minus strand). Cytogenetic location: 18q21.33.
Variant type: Deletion.
Coding change: c.2655del on transcript NM_176787.5 (MANE Select); coding-DNA position 2655, one base deleted (G; older notation c.2655delG).
Protein change: p.Trp885fs; shifts the reading frame from tryptophan 885.
Molecular consequence: frameshift variant.
Genome position (GRCh38, 1-based): chr18:62,072,690, C deleted on the plus strand (G on the coding strand, the reverse complement: PIGN is on the minus strand); the first of 2 consecutive C bases (chr18:62,072,690-62,072,691); deleting either gives the same sequence. VCF-style (leftmost placement, unchanged base first): chr18-62072689-GC-G. GRCh37 (hg19) VCF-style: chr18-59739922-GC-G.
Other names: c.2655del, p.Trp885fs (NM_012327.6); short protein forms W885fs.
Identifiers: ClinVar variation 2789630 (VCV002789630.3), dbSNP rs749663089, ClinGen allele CA8981904.
Genomic context (GRCh38, chr18:62,072,689, plus strand): 5'-ACTTATCCCTGTTGTTAAGCAATGCATGACCATATATACTATACCTTGTCCCAATATCAA[GC>G]CAGCTGCCATAATCCTTGACCAAGAAGAAAAAATGCTGTAAAAAAAAAAAAAGGCTTAAT-3'

ClinVar aggregate classification (germline): Pathogenic (1 of 4 stars; one submission).

Conditions:
Multiple congenital anomalies-hypotonia-seizures syndrome 1 (MCAHS1). Also called: PIGN-CDG; Congenital disorder of glycosylation due to PIGN deficiency; GLYCOSYLPHOSPHATIDYLINOSITOL BIOSYNTHESIS DEFECT 3. Identifiers: Orphanet 280633, MedGen C3279775, MONDO:0013563, OMIM 614080.

Submission:

Labcorp Genetics (formerly Invitae), Labcorp
Classification: Pathogenic for Multiple congenital anomalies-hypotonia-seizures syndrome 1. Last evaluated: 2023-07-10. Review status: criteria provided, single submitter. Criteria: Invitae Variant Classification Sherloc (09022015). Collection method: clinical testing. Allele origin: germline.
Comment: For these reasons, this variant has been classified as Pathogenic. This variant disrupts a region of the PIGN protein in which other variant(s) (p.Ser893Arg) have been determined to be pathogenic (PMID: 35179230, 36322149; Invitae). This suggests that this is a clinically significant region of the protein, and that variants that disrupt it are likely to be disease-causing. This variant has not been reported in the literature in individuals affected with PIGN-related conditions. The frequency data for this variant in the population databases is considered unreliable, as metrics indicate poor data quality at this position in the gnomAD database. This sequence change creates a premature translational stop signal (p.Trp885Cysfs*12) in the PIGN gene. While this is not anticipated to result in nonsense mediated decay, it is expected to disrupt the last 47 amino acid(s) of the PIGN protein.

Literature cited by the submitters: PubMed 35179230; PubMed 36322149.